The following is an entry in ClinVar:

NM_001875.5(CPS1):c.3101A>G (p.Glu1034Gly)

Gene: CPS1 (carbamoyl-phosphate synthase 1; plus strand). Cytogenetic location: 2q34.
Variant type: single nucleotide variant.
Coding change: c.3101A>G on transcript NM_001875.5 (MANE Select); coding-DNA position 3101, A replaced by G.
Protein change: p.Glu1034Gly; replaces glutamic acid 1034 with glycine.
Molecular consequence: missense variant. On other transcripts: non-coding transcript variant (2).
Genome position (GRCh38, 1-based): chr2:210,642,625, A>G. VCF-style: chr2-210642625-A-G. GRCh37 (hg19) VCF-style: chr2-211507349-A-G.
Other names: c.3101A>G, p.Glu1034Gly (NM_001122633.3, NM_001369257.1); c.3134A>G, p.Glu1045Gly (NM_001369256.1); short protein forms E1034G, E1045G.
Identifiers: ClinVar variation 3896217 (VCV003896217.2).

ClinVar aggregate classification (germline): Uncertain significance (1 of 4 stars; one submission).

Submission:

Women's Health and Genetics/Laboratory Corporation of America, LabCorp
Classification: Uncertain significance. Last evaluated: 2025-04-16. Review status: criteria provided, single submitter. Criteria: LabCorp Variant Classification Summary - May 2015. Collection method: clinical testing. Allele origin: germline.
Comment: Variant summary: CPS1 c.3101A>G (p.Glu1034Gly) results in a non-conservative amino acid change in the encoded protein sequence. Five of five in-silico tools predict a damaging effect of the variant on protein function. The variant was absent in 251462 control chromosomes. c.3101A>G has been observed in individual(s) affected with Carbamoylphosphate Synthetase I Deficiency, one of whom was homozygous (Mew_2014, Hberele_2011). These data indicate that the variant may be associated with disease. To our knowledge, no experimental evidence demonstrating an impact on protein function has been reported. The following publications have been ascertained in the context of this evaluation (PMID: 21120950, 24880889). No submitters have cited clinical-significance assessments for this variant to ClinVar. Based on the evidence outlined above, the variant was classified as VUS-possibly pathogenic.

Literature cited by the submitters: PubMed 21120950; PubMed 24880889.